The following is an entry in ClinVar:

ClinVar aggregate classification (germline): Uncertain significance (1 of 4 stars; one submission).

Conditions:
Immunodeficiency. Identifiers: MedGen C0021051, MONDO:0021094, HP:0002721.

Submission:

Labcorp Genetics (formerly Invitae), Labcorp
Classification: Uncertain significance for Immunodeficiency. Last evaluated: 2022-07-25. Review status: criteria provided, single submitter. Criteria: Invitae Variant Classification Sherloc (09022015). Collection method: clinical testing. Allele origin: germline.
Comment: This variant, c.1992_1994del, results in the deletion of 1 amino acid(s) of the NFAT5 protein (p.Gln667del), but otherwise preserves the integrity of the reading frame. This variant is present in population databases (rs768126058, gnomAD 0.04%), and has an allele count higher than expected for a pathogenic variant. This variant has not been reported in the literature in individuals affected with NFAT5-related conditions. Experimental studies and prediction algorithms are not available or were not evaluated, and the functional significance of this variant is currently unknown. In summary, the available evidence is currently insufficient to determine the role of this variant in disease. Therefore, it has been classified as a Variant of Uncertain Significance.

NM_138713.4(NFAT5):c.2268ACA[2] (p.Gln761del)

Gene: NFAT5 (nuclear factor of activated T cells 5; plus strand). Cytogenetic location: 16q22.1.
Variant type: Microsatellite.
Coding change: c.2268ACA[2] on transcript NM_138713.4 (MANE Select); two copies in a row of the 3-base unit ACA starting at c.2268; the reference has three copies in a row; one copy, 3 bases deleted.
Protein change: p.Gln761del; deletes glutamine 761.
Molecular consequence: inframe deletion.
Genome position (GRCh38, 1-based): chr16:69,692,099-69,692,101, ACA deleted; deleting any 3 consecutive bases within chr16:69,692,093-69,692,101 gives the same sequence; the position shown is the placement nearest the transcript's 3' end. VCF-style (leftmost placement, unchanged base first): chr16-69692092-CACA-C. GRCh37 (hg19) VCF-style: chr16-69725995-CACA-C.
Other names: c.2265ACA[2], p.Gln760del (NM_001113178.3); c.1593ACA[2], p.Gln536del (NM_001367709.1); c.2214ACA[2], p.Gln743del (NM_006599.4); c.1986ACA[2], p.Gln667del (NM_138714.4, NM_173214.3, NM_173215.3); short protein forms Q760del, Q536del, Q667del, Q761del, Q743del.
Identifiers: ClinVar variation 1378904 (VCV001378904.8), dbSNP rs768126058, ClinGen allele CA8135741.